The following is an entry in ClinVar:

ClinVar aggregate classification (germline): Uncertain significance. Review status: criteria provided, multiple submitters, no conflicts (2 of 4 stars). 2 submissions from 2 submitters: Uncertain significance (2). Last evaluated 2025-05-19.

Conditions:
Hermansky-Pudlak syndrome 2 (HPS2). Also called: Platelet defects and oculocutaneous albinism. Identifiers: Orphanet 183678, Orphanet 79430, MedGen C1842362, MONDO:0011997, OMIM 608233.

Allele frequency attached by ClinVar (database versions not stated): gnomAD exomes below 0.00001.
gnomAD v4.1: 1 of 1,612,440 alleles (0.000062%); highest among the groups gnomAD compares: South Asian, 0.0011%; no homozygotes.

Submissions (2):

Women's Health and Genetics/Laboratory Corporation of America, LabCorp
Classification: Uncertain significance. Last evaluated: 2025-05-19. Review status: criteria provided, single submitter. Criteria: LabCorp Variant Classification Summary - May 2015. Collection method: clinical testing. Allele origin: germline.
Comment: Variant summary: AP3B1 c.836A>T (p.Asp279Val) results in a non-conservative amino acid change in the encoded protein sequence. Algorithms developed to predict the effect of missense changes on protein structure and function are either unavailable or do not agree on the potential impact of this missense change. The variant was absent in 249636 control chromosomes. The available data on variant occurrences in the general population are insufficient to allow any conclusion about variant significance. To our knowledge, no occurrence of c.836A>T in individuals affected with Hermansky-Pudlak Syndrome and no experimental evidence demonstrating its impact on protein function have been reported. ClinVar contains an entry for this variant (Variation ID: 846886). Based on the evidence outlined above, the variant was classified as uncertain significance.

Labcorp Genetics (formerly Invitae), Labcorp
Classification: Uncertain significance for Hermansky-Pudlak syndrome 2. Last evaluated: 2019-03-11. Review status: criteria provided, single submitter. Criteria: Invitae Variant Classification Sherloc (09022015). Collection method: clinical testing. Allele origin: germline.
Comment: Algorithms developed to predict the effect of missense changes on protein structure and function are either unavailable or do not agree on the potential impact of this missense change (SIFT: "Deleterious"; PolyPhen-2: "Benign"; Align-GVGD: "Class C0"). This variant has not been reported in the literature in individuals with AP3B1-related conditions. This variant is not present in population databases (ExAC no frequency). This sequence change replaces aspartic acid with valine at codon 279 of the AP3B1 protein (p.Asp279Val). The aspartic acid residue is weakly conserved and there is a large physicochemical difference between aspartic acid and valine. In summary, the available evidence is currently insufficient to determine the role of this variant in disease. Therefore, it has been classified as a Variant of Uncertain Significance.

NM_003664.5(AP3B1):c.836A>T (p.Asp279Val)

Gene: AP3B1 (adaptor related protein complex 3 subunit beta 1; minus strand). Cytogenetic location: 5q14.1.
Variant type: single nucleotide variant.
Coding change: c.836A>T on transcript NM_003664.5 (MANE Select); coding-DNA position 836, A replaced by T.
Protein change: p.Asp279Val; replaces aspartic acid 279 with valine.
Molecular consequence: missense variant.
Genome position (GRCh38, 1-based): chr5:78,181,613, T>A on the plus strand (A>T on the coding strand, the complement: AP3B1 is on the minus strand). VCF-style: chr5-78181613-T-A. GRCh37 (hg19) VCF-style: chr5-77477437-T-A.
Other names: c.689A>T, p.Asp230Val (NM_001271769.2); short protein forms D230V, D279V.
Identifiers: ClinVar variation 846886 (VCV000846886.8), dbSNP rs1744372518, ClinGen allele CA360190426.